The following is an entry in ClinVar:

NM_000083.3(CLCN1):c.2230C>A (p.Pro744Thr)

Gene: CLCN1 (chloride voltage-gated channel 1; plus strand). Cytogenetic location: 7q34.
Variant type: single nucleotide variant.
Coding change: c.2230C>A on transcript NM_000083.3 (MANE Select); coding-DNA position 2230, C replaced by A.
Protein change: p.Pro744Thr; replaces proline 744 with threonine.
Molecular consequence: missense variant. On other transcripts: non-coding transcript variant (1).
Genome position (GRCh38, 1-based): chr7:143,346,197, C>A. VCF-style: chr7-143346197-C-A. GRCh37 (hg19) VCF-style: chr7-143043290-C-A.
Other names: short protein forms P744T.
Identifiers: ClinVar variation 359121 (VCV000359121.19), dbSNP rs149316679, ClinGen allele CA4537594.
Genomic context (GRCh38, chr7:143,346,197, plus strand): 5'-CAGCTTCCTCCTTCCCTTGCTCTCCACCCCTCTACTACTGCCCCTCTGTCCCCAGAAGAG[C>A]CCAATGGGCCTCTGCCTGGCCACAAACAGCAGCCGGAAGCACCAGAGCCTGCAGGTGACG-3'
Protein context (NP_000074.3, residues 734-754): STTAPLSPEE[Pro744Thr]NGPLPGHKQQ

ClinVar aggregate classification (germline): Conflicting classifications of pathogenicity. Review status: criteria provided, conflicting classifications (1 of 4 stars). 7 submissions from 7 submitters: Uncertain significance (3); Likely benign (4). Last evaluated 2026-01-13.

Conditions:
Batten-Turner congenital myopathy. Also called: Myotonia congenita; Congenital myotonia. Identifiers: Orphanet 206973, MedGen C0027127, MONDO:0100468, OMIM 255300.
Dystonia, early-onset, and/or spastic paraplegia. Identifiers: MedGen C5562051, MONDO:0859215, OMIM 619681.
Congenital myotonia, autosomal dominant form (THD). Also called: THOMSEN DISEASE; Myotonia congenita autosomal dominant. Identifiers: Orphanet 614, MedGen C2936781, MONDO:0008055, OMIM 160800.
Congenital myotonia, autosomal recessive form. Also called: myotonia congenita, autosomal recessive; BECKER DISEASE; Becker Generalized Myotonia. Identifiers: Orphanet 614, MedGen C0751360, MONDO:0009715, OMIM 255700.

Allele frequency attached by ClinVar (database versions not stated): gnomAD 0.00013 and 0.00015; TOPMed 0.00013; gnomAD exomes 0.00024 and 0.00025; ExAC 0.00029; ESP Exome Variant Server 0.00038.
gnomAD v4.1: 382 of 1,613,700 alleles (0.024%); highest among the groups gnomAD compares: Middle Eastern, 0.28%; 2 homozygotes.

Submissions (7):

Labcorp Genetics (formerly Invitae), Labcorp
Classification: Likely benign for Congenital myotonia, autosomal recessive form; Congenital myotonia, autosomal dominant form. Last evaluated: 2026-01-13. Review status: criteria provided, single submitter. Criteria: Invitae Variant Classification Sherloc (09022015). Collection method: clinical testing. Allele origin: germline.

Blueprint Genetics
Classification: Uncertain significance. Last evaluated: 2024-10-30. Review status: criteria provided, single submitter. Criteria: ACMG Guidelines, 2015. Collection method: clinical testing. Allele origin: germline.

Revvity Omics, Revvity
Classification: Uncertain significance. Last evaluated: 2023-03-13. Review status: criteria provided, single submitter. Criteria: ACMG Guidelines, 2015. Collection method: clinical testing. Allele origin: germline.

GeneDx
Classification: Likely benign. Last evaluated: 2021-04-16. Review status: criteria provided, single submitter. Criteria: GeneDx Variant Classification Process June 2021. Collection method: clinical testing. Allele origin: germline. Affected: yes.
Comment: This variant is associated with the following publications: (PMID: 22649220)

Cambridge Genomics Laboratory, East Genomic Laboratory Hub, NHS Genomic Medicine Service
Classification: Likely benign for Dystonia, early-onset, and/or spastic paraplegia. Last evaluated: 2019-04-29. Review status: criteria provided, single submitter. Criteria: ACGS Best Practice Guidelines for Variant Classification in Rare Disease 2020. Collection method: clinical testing. Allele origin: germline. Affected: yes. Observed: 1 variant allele.

Illumina Laboratory Services, Illumina
Classification: Likely benign for Myotonia congenita. Last evaluated: 2017-04-28. Review status: criteria provided, single submitter. Criteria: ICSL Variant Classification Criteria 13 December 2019. Collection method: clinical testing. Allele origin: germline.
Comment: This variant was observed as part of a predisposition screen in an ostensibly healthy population. A literature search was performed for the gene, cDNA change, and amino acid change (where applicable). Publications were found based on this search. The evidence from the literature, in combination with allele frequency data from public databases where available, was sufficient to determine this variant is unlikely to cause disease. Therefore, this variant is classified as likely benign.

Athena Diagnostics
Classification: Uncertain significance. Last evaluated: 2017-02-15. Review status: criteria provided, single submitter. Criteria: Athena Diagnostics Criteria. Collection method: clinical testing. Allele origin: germline.

Literature cited by the submitters: PubMed 22649220 (cited by Illumina Laboratory Services, Illumina and Athena Diagnostics).